The following is an entry in ClinVar:

NM_002941.4(ROBO1):c.3349G>A (p.Val1117Met)

Gene: ROBO1 (roundabout guidance receptor 1; minus strand). Cytogenetic location: 3p12.3.
Variant type: single nucleotide variant.
Coding change: c.3349G>A on transcript NM_002941.4 (MANE Select); coding-DNA position 3349, G replaced by A.
Protein change: p.Val1117Met; replaces valine 1117 with methionine.
Molecular consequence: missense variant.
Genome position (GRCh38, 1-based): chr3:78,635,797, C>T on the plus strand (G>A on the coding strand, the complement: ROBO1 is on the minus strand). VCF-style: chr3-78635797-C-T. GRCh37 (hg19) VCF-style: chr3-78684947-C-T.
Other names: c.3214G>A, p.Val1072Met (NM_001145844.1, NM_133631.4); c.3049G>A, p.Val1017Met (NM_001145845.2); short protein forms V1072M, V1117M, V1017M.
Identifiers: ClinVar variation 1932278 (VCV001932278.5), dbSNP rs372092328, ClinGen allele CA2498406.

ClinVar aggregate classification (germline): Uncertain significance (1 of 4 stars; one submission).

Allele frequency attached by ClinVar (database versions not stated): ExAC 0.00001; gnomAD 0.00002; ESP Exome Variant Server 0.00008.
gnomAD v4.1: 11 of 1,613,596 alleles (0.00068%); highest among the groups gnomAD compares: Middle Eastern, 0.033%; no homozygotes.

Submission:

Labcorp Genetics (formerly Invitae), Labcorp
Classification: Uncertain significance. Last evaluated: 2023-01-19. Review status: criteria provided, single submitter. Criteria: Invitae Variant Classification Sherloc (09022015). Collection method: clinical testing. Allele origin: germline.
Comment: In summary, the available evidence is currently insufficient to determine the role of this variant in disease. Therefore, it has been classified as a Variant of Uncertain Significance. Advanced modeling of protein sequence and biophysical properties (such as structural, functional, and spatial information, amino acid conservation, physicochemical variation, residue mobility, and thermodynamic stability) performed at Invitae indicates that this missense variant is not expected to disrupt ROBO1 protein function. This variant has not been reported in the literature in individuals affected with ROBO1-related conditions. This variant is present in population databases (rs372092328, gnomAD 0.01%). This sequence change replaces valine, which is neutral and non-polar, with methionine, which is neutral and non-polar, at codon 1117 of the ROBO1 protein (p.Val1117Met).